The following is an entry in ClinVar:

ClinVar aggregate classification (germline): Uncertain significance (1 of 4 stars; one submission).

Conditions:
STAT3 gain of function. Identifiers: MedGen C4288261.
Hyper-IgE recurrent infection syndrome 1, autosomal dominant. Also called: STAT3 Hyper IgE Syndrome; Hyper-IgE recurrent infection syndrome 1; JOB SYNDROME; HYPER-IgE SYNDROME 1, AUTOSOMAL DOMINANT, WITH RECURRENT INFECTIONS; Job's Syndrome. Identifiers: Orphanet 2314, MedGen C2936739, MONDO:0007818, OMIM 147060.

Submission:

Labcorp Genetics (formerly Invitae), Labcorp
Classification: Uncertain significance for STAT3 gain of function; Hyper-IgE recurrent infection syndrome 1, autosomal dominant. Last evaluated: 2024-06-17. Review status: criteria provided, single submitter. Criteria: Invitae Variant Classification Sherloc (09022015). Collection method: clinical testing. Allele origin: germline.
Comment: This sequence change replaces valine, which is neutral and non-polar, with glutamic acid, which is acidic and polar, at codon 393 of the STAT3 protein (p.Val393Glu). This variant is not present in population databases (gnomAD no frequency). This variant has not been reported in the literature in individuals affected with STAT3-related conditions. Advanced modeling of protein sequence and biophysical properties (such as structural, functional, and spatial information, amino acid conservation, physicochemical variation, residue mobility, and thermodynamic stability) performed at Invitae indicates that this missense variant is expected to disrupt STAT3 protein function with a positive predictive value of 80%. In summary, the available evidence is currently insufficient to determine the role of this variant in disease. Therefore, it has been classified as a Variant of Uncertain Significance.

NM_139276.3(STAT3):c.1178T>A (p.Val393Glu)

Gene: STAT3 (signal transducer and activator of transcription 3; minus strand). Cytogenetic location: 17q21.2.
Variant type: single nucleotide variant.
Coding change: c.1178T>A on transcript NM_139276.3 (MANE Select); coding-DNA position 1178, T replaced by A.
Protein change: p.Val393Glu; replaces valine 393 with glutamic acid.
Molecular consequence: missense variant.
Genome position (GRCh38, 1-based): chr17:42,329,609, A>T on the plus strand (T>A on the coding strand, the complement: STAT3 is on the minus strand). VCF-style: chr17-42329609-A-T. GRCh37 (hg19) VCF-style: chr17-40481627-A-T.
Other names: c.1178T>A, p.Val393Glu (NM_001369512.1, NM_001369513.1, NM_001369514.1 and 12 more transcripts); c.1100T>A, p.Val367Glu (NM_001384985.1); c.1193T>A, p.Val398Glu (NM_001384986.1, NM_001384990.1); c.1082T>A, p.Val361Glu (NM_001384989.1); c.1118T>A, p.Val373Glu (NM_001384992.1); short protein forms V393E, V398E, V361E, V367E, V373E.
Identifiers: ClinVar variation 2951119 (VCV002951119.3), dbSNP rs2509327135, ClinGen allele CA399588951.
Genomic context (GRCh38, chr17:42,329,609, plus strand): 5'-CATACCAAGTGTTTGAATTCTGCAGAGAGGCTGCCGTTGTTGGATTCTTCCATGTTCATC[A>T]CTTTTGTGTTTGTGCCCAGAATGTTAAATTTCCGGGATCTGAATCACAGGGGAACAATCA-3'
Protein context (NP_644805.1, residues 383-403): KFNILGTNTK[Val393Glu]MNMEESNNGS